The following is an entry in ClinVar:

NM_004104.5(FASN):c.115C>T (p.Arg39Cys)

Gene: FASN (fatty acid synthase; minus strand). Cytogenetic location: 17q25.3.
Variant type: single nucleotide variant.
Coding change: c.115C>T on transcript NM_004104.5 (MANE Select); coding-DNA position 115, C replaced by T.
Protein change: p.Arg39Cys; replaces arginine 39 with cysteine.
Molecular consequence: missense variant.
Genome position (GRCh38, 1-based): chr17:82,096,331, G>A on the plus strand (C>T on the coding strand, the complement: FASN is on the minus strand). VCF-style: chr17-82096331-G-A. GRCh37 (hg19) VCF-style: chr17-80054207-G-A.
Other names: short protein forms R39C.
Identifiers: ClinVar variation 4771305 (VCV004771305.1).

ClinVar aggregate classification (germline): Uncertain significance (1 of 4 stars; one submission).

Conditions:
Epileptic encephalopathy. Identifiers: MedGen C0543888, HP:0200134.

Submission:

Labcorp Genetics (formerly Invitae), Labcorp
Classification: Uncertain significance for Epileptic encephalopathy. Last evaluated: 2025-11-06. Review status: criteria provided, single submitter. Criteria: Invitae Variant Classification Sherloc (09022015). Collection method: clinical testing. Allele origin: germline.
Comment: This sequence change replaces arginine, which is basic and polar, with cysteine, which is neutral and slightly polar, at codon 39 of the FASN protein (p.Arg39Cys). This variant is not present in population databases (gnomAD no frequency). This variant has not been reported in the literature in individuals affected with FASN-related conditions. An algorithm developed to predict the effect of missense changes on protein structure and function (PolyPhen-2) suggests that this variant is likely to be disruptive. In summary, the available evidence is currently insufficient to determine the role of this variant in disease. Therefore, it has been classified as a Variant of Uncertain Significance.